The following is an entry in ClinVar:

ClinVar aggregate classification (germline): Uncertain significance. Review status: criteria provided, multiple submitters, no conflicts (2 of 4 stars). 2 submissions from 2 submitters: Uncertain significance (2). Last evaluated 2025-01-22.

Conditions:
Inborn genetic diseases. Identifiers: MedGen C0950123, MeSH D030342.

gnomAD v4.1: 2 of 1,592,314 alleles (0.00013%); highest among the groups gnomAD compares: Admixed American, 0.0018%; no homozygotes.

Submissions (2):

Ambry Genetics
Classification: Uncertain significance for Inborn genetic diseases. Last evaluated: 2025-01-22. Review status: criteria provided, single submitter. Criteria: Ambry Variant Classification Scheme 2023. Collection method: clinical testing. Allele origin: germline.

GeneDx
Classification: Uncertain significance. Last evaluated: 2024-12-18. Review status: criteria provided, single submitter. Criteria: GeneDx Variant Classification Process June 2021. Collection method: clinical testing. Allele origin: germline. Affected: yes.
Comment: Not observed at significant frequency in large population cohorts (gnomAD); In silico analysis supports that this missense variant has a deleterious effect on protein structure/function; Has not been previously published as pathogenic or benign to our knowledge

NM_001009944.3(PKD1):c.9735C>G (p.Phe3245Leu)

Gene: PKD1 (polycystin 1, transient receptor potential channel interacting; minus strand). Cytogenetic location: 16p13.3.
Variant type: single nucleotide variant.
Coding change: c.9735C>G on transcript NM_001009944.3 (MANE Select); coding-DNA position 9735, C replaced by G.
Protein change: p.Phe3245Leu; replaces phenylalanine 3245 with leucine.
Molecular consequence: missense variant.
Genome position (GRCh38, 1-based): chr16:2,100,049, G>C on the plus strand (C>G on the coding strand, the complement: PKD1 is on the minus strand). VCF-style: chr16-2100049-G-C. GRCh37 (hg19) VCF-style: chr16-2150050-G-C.
Other names: c.9735C>G, p.Phe3245Leu (NM_000296.4); short protein forms F3245L.
Identifiers: ClinVar variation 3889299 (VCV003889299.2).
Genomic context (GRCh38, chr16:2,100,049, plus strand): 5'-GGAGAGCCAGATGTGCTTGTCAAAGAAGCCACGCTGCAGCTCAGCCACCAGCAGGCGCCG[G>C]AAGCGCAAAAGGGCTGCGTCGCCTAGAAGGCAGGGAGGGCCGCACTGCAGGAGGCCACGG-3'
Protein context (NP_001009944.3, residues 3235-3255): LAASDAALLR[Phe3245Leu]RRLLVAELQR